The following is an entry in ClinVar:

ClinVar aggregate classification (germline): Uncertain significance (1 of 4 stars; one submission).

Submission:

GeneDx
Classification: Uncertain significance. Last evaluated: 2023-08-04. Review status: criteria provided, single submitter. Criteria: GeneDx Variant Classification Process June 2021. Collection method: clinical testing. Allele origin: germline. Affected: yes.
Comment: Not observed at significant frequency in large population cohorts (gnomAD); In silico analysis supports that this missense variant does not alter protein structure/function; Has not been previously published as pathogenic or benign to our knowledge

NM_001555.5(IGSF1):c.3098T>C (p.Met1033Thr)

Gene: IGSF1 (immunoglobulin superfamily member 1; minus strand). Cytogenetic location: Xq26.1.
Variant type: single nucleotide variant.
Coding change: c.3098T>C on transcript NM_001555.5 (MANE Select); coding-DNA position 3098, T replaced by C.
Protein change: p.Met1033Thr; replaces methionine 1033 with threonine.
Molecular consequence: missense variant.
Genome position (GRCh38, 1-based): chrX:131,275,564, A>G on the plus strand (T>C on the coding strand, the complement: IGSF1 is on the minus strand). VCF-style: chrX-131275564-A-G. GRCh37 (hg19) VCF-style: chrX-130409538-A-G.
Other names: c.3113T>C, p.Met1038Thr (NM_001170961.2); c.3071T>C, p.Met1024Thr (NM_001170962.2); short protein forms M1024T, M1033T, M1038T.
Identifiers: ClinVar variation 3361758 (VCV003361758.1).